The following is an entry in ClinVar:

ClinVar aggregate classification (germline): Uncertain significance (1 of 4 stars; one submission).

Conditions:
Hereditary cancer-predisposing syndrome. Also called: Neoplastic Syndromes, Hereditary; Tumor predisposition; Hereditary Cancer Syndrome; Hereditary neoplastic syndrome. Identifiers: Orphanet 140162, MedGen C0027672, MeSH D009386, MONDO:0015356.

gnomAD v4.1: 2 of 1,614,240 alleles (0.00012%); highest among the groups gnomAD compares: Non-Finnish European, 0.00017%; no homozygotes.

Submission:

Ambry Genetics
Classification: Uncertain significance for Hereditary cancer-predisposing syndrome. Last evaluated: 2025-12-24. Review status: criteria provided, single submitter. Criteria: Ambry Variant Classification Scheme 2023. Collection method: clinical testing. Allele origin: germline.
Comment: The p.H270P variant (also known as c.809A>C), located in coding exon 5 of the CTNNA1 gene, results from an A to C substitution at nucleotide position 809. The histidine at codon 270 is replaced by proline, an amino acid with similar properties. This amino acid position is conserved. In addition, this alteration is predicted to be tolerated by in silico analysis. Based on the available evidence, the clinical significance of this variant remains unclear.

NM_001903.5(CTNNA1):c.809A>C (p.His270Pro)

Gene: CTNNA1 (catenin alpha 1; plus strand). Cytogenetic location: 5q31.2.
Variant type: single nucleotide variant.
Coding change: c.809A>C on transcript NM_001903.5 (MANE Select); coding-DNA position 809, A replaced by C.
Protein change: p.His270Pro; replaces histidine 270 with proline.
Molecular consequence: missense variant.
Genome position (GRCh38, 1-based): chr5:138,824,750, A>C. VCF-style: chr5-138824750-A-C. GRCh37 (hg19) VCF-style: chr5-138160439-A-C.
Other names: c.809A>C, p.His270Pro (NM_001290307.3, NM_001323982.2, NM_001323983.1 and 3 more transcripts); c.500A>C, p.His167Pro (NM_001290309.3); c.440A>C, p.His147Pro (NM_001290310.3); short protein forms H167P, H147P, H270P.
Identifiers: ClinVar variation 4843787 (VCV004843787.1).